The following is an entry in ClinVar:

ClinVar aggregate classification (germline): Pathogenic (0 of 4 stars; one submission).
ClinVar aggregate classification (somatic clinical impact): Tier I - Strong. Review status: criteria provided, single submitter (1 of 4 stars). 5 submissions from 1 submitter. 3 of the submissions do not count toward it. Last evaluated 2023-03-02.
ClinVar aggregate classification (oncogenicity): Oncogenic (1 of 4 stars; one submission).

Conditions:
Lung sarcomatoid carcinoma. Identifiers: MedGen C1708781, MONDO:0006279.
Pleomorphic xanthoastrocytoma (PXA). Identifiers: Orphanet 251607, MedGen C0334586, MONDO:0016690, HP:0033682.
Metastatic melanoma. Identifiers: MedGen C0278883, MONDO:0005191.
Medulloblastoma WNT activated. Identifiers: MedGen C4331965, MONDO:0850196.
Ovarian sex cord-stromal tumor. Identifiers: MedGen C0600113, MONDO:0021657, HP:0031918.
Spindle cell sarcoma. Identifiers: MedGen C0205945, MeSH D012509, MONDO:0002927.
Neoplasm. Also called: Neoplasms; Neoplasm (disease); tumor. Identifiers: MedGen C0027651, MeSH D009369, MONDO:0005070, HP:0002664.

Allele frequency attached by ClinVar (database versions not stated): gnomAD exomes 0.00004.

Submissions (7):

Institute for Genomic Medicine (IGM) Clinical Laboratory, Nationwide Children's Hospital
Classification: Tier II - Potential for Ovarian sex cord-stromal tumor. Assertion type: diagnostic. Clinical significance: supports diagnosis. Last evaluated: 2025-06-10. Review status: criteria provided, single submitter. Criteria: AMP/ASCO/CAP Guidelines, 2017. Collection method: clinical testing. Allele origin: somatic. Affected: yes. Not counted in ClinVar's aggregate classification.
Comment: Variant has Tier II (potential) clinical significance as a diagnostic inclusion criterion in ovarian sex cord-stromal tumor, based on the following evidence: 1) Documented in one or more cancer databases (e.g., St. Jude Pecan, COSMIC, CIViC, OncoKB). 2) Information in the literature supports potential biologic effect of variant (PMIDs: 23764841, 25977370, 26389665). 3) Diagnostic significance based on multiple small studies (Evidence Level C). 4) Assists in diagnosis alone or along with other biomarkers based on small studies or few case reports (Evidence Level D; PMIDs: 31147264, 34103665, 37871653, 38053410).

Center for Genomic Medicine, Rigshospitalet, Copenhagen University Hospital
Classification: Oncogenic for Neoplasm. Last evaluated: 2025-03-04. Review status: criteria provided, single submitter. Criteria: ClinGen/CGC/VICC Guidelines for Oncogenicity, 2022. Collection method: clinical testing. Allele origin: somatic. Affected: yes.

Institute for Genomic Medicine (IGM) Clinical Laboratory, Nationwide Children's Hospital
Classification: Tier II - Potential for Spindle cell sarcoma. Assertion type: diagnostic. Clinical significance: supports diagnosis. Last evaluated: 2025-01-16. Review status: criteria provided, single submitter. Criteria: AMP/ASCO/CAP Guidelines, 2017. Collection method: clinical testing. Allele origin: somatic. Affected: yes. Not counted in ClinVar's aggregate classification.
Comment: Variant has Tier II (potential) clinical significance as a diagnostic inclusion criterion in spindle cell sarcoma, based on the following evidence: 1) Documented in one or more cancer databases (e.g., St. Jude Pecan, COSMIC, CIViC, OncoKB). 2) Information in the literature supports potential biologic effect of variant (PMIDs: 23348506, 23348503, 23530248, 23887589, 24657534). 3) Diagnostic significance based on multiple small studies (Evidence Level C; PMIDs: 31669704, 24030750, 23530248, 26870359, 24726063, 26391479).

Institute for Genomic Medicine (IGM) Clinical Laboratory, Nationwide Children's Hospital
Classification: Tier I - Strong for Metastatic melanoma. Assertion type: diagnostic. Clinical significance: supports diagnosis. Last evaluated: 2023-03-02. Review status: criteria provided, single submitter. Criteria: AMP/ASCO/CAP Guidelines, 2017. Collection method: clinical testing. Allele origin: somatic. Affected: yes.
Comment: Variant has Tier I (strong) clinical significance as a diagnostic inclusion criterion in metastatic melanoma, based on the following evidence: 1) Documented in one or more cancer databases (e.g., St. Jude Pecan, COSMIC, CIViC, OncoKB). 2) Information in the literature supports potential biologic effect of variant (PMIDs: 23764841, 25977370). 3) Diagnostic for a specific tumor type/classification based on well-powered studies with expert-level consensus (Evidence Level B; PMIDs: 24569790, 32249949, 32850962).

Institute for Genomic Medicine (IGM) Clinical Laboratory, Nationwide Children's Hospital
Classification: Tier I - Strong for Pleomorphic xanthoastrocytoma. Assertion type: diagnostic. Clinical significance: supports diagnosis. Last evaluated: 2023-02-01. Review status: criteria provided, single submitter. Criteria: AMP/ASCO/CAP Guidelines, 2017. Collection method: clinical testing. Allele origin: somatic. Affected: yes.
Comment: Variant has Tier I (strong) clinical significance as a diagnostic inclusion criterion in pleomorphic xanthoastrocytoma, based on the following evidence: 1) Documented in one or more cancer databases (e.g., St. Jude Pecan, COSMIC, CIViC, OncoKB). 2) Appears in one or more well-established professional guidelines (e.g., World Health Organization [WHO]; National Comprehensive Cancer Network [NCCN]) as providing diagnostic, prognostic, or therapeutic information. 3) Information in the literature supports potential biologic effect of variant (PMIDs: 23764841, 25977370). 4) Diagnostic for a specific tumor type/classification based on well-powered studies with expert-level consensus (Evidence Level B; PMIDs: 30051528, 30240866, 30599247, 32619305).

Institute for Genomic Medicine (IGM) Clinical Laboratory, Nationwide Children's Hospital
Classification: Tier II - Potential for Medulloblastoma WNT activated. Assertion type: diagnostic. Clinical significance: supports diagnosis. Last evaluated: 2022-10-05. Review status: criteria provided, single submitter. Criteria: AMP/ASCO/CAP Guidelines, 2017. Collection method: clinical testing. Allele origin: somatic. Affected: yes. Not counted in ClinVar's aggregate classification.
Comment: Variant has Tier II (potential) clinical significance as a diagnostic inclusion criterion in medulloblastoma WNT activated, based on the following evidence: 1) Documented in one or more cancer databases (e.g., St. Jude Pecan, COSMIC, CIViC, OncoKB). 2) Information in the literature supports potential biologic effect of variant (PMID: 25977370). 3) Diagnostic significance based on multiple small studies (Evidence Level C; PMIDs: 24174164, 28726821, 24337442).

Salgia Laboratory, City of Hope
Classification: Pathogenic for Lung sarcomatoid carcinoma. Review status: no assertion criteria provided. Collection method: clinical testing. Allele origin: somatic. Inheritance: Somatic mutation. Affected: yes.

Literature cited by the submitters: PubMed 23764841 (cited by Institute for Genomic Medicine (IGM) Clinical Laboratory, Nationwide Children's Hospital); PubMed 25977370 (cited by Institute for Genomic Medicine (IGM) Clinical Laboratory, Nationwide Children's Hospital); PubMed 26389665 (cited by Institute for Genomic Medicine (IGM) Clinical Laboratory, Nationwide Children's Hospital and Center for Genomic Medicine, Rigshospitalet, Copenhagen University Hospital); PubMed 31147264 (cited by Institute for Genomic Medicine (IGM) Clinical Laboratory, Nationwide Children's Hospital); PubMed 34103665 (cited by Institute for Genomic Medicine (IGM) Clinical Laboratory, Nationwide Children's Hospital); PubMed 37871653 (cited by Institute for Genomic Medicine (IGM) Clinical Laboratory, Nationwide Children's Hospital); PubMed 38053410 (cited by Institute for Genomic Medicine (IGM) Clinical Laboratory, Nationwide Children's Hospital); PubMed 23348506 (cited by Center for Genomic Medicine, Rigshospitalet, Copenhagen University Hospital and Institute for Genomic Medicine (IGM) Clinical Laboratory, Nationwide Children's Hospital); PubMed 27562490 (cited by Center for Genomic Medicine, Rigshospitalet, Copenhagen University Hospital); PubMed 27650951 (cited by Center for Genomic Medicine, Rigshospitalet, Copenhagen University Hospital); PubMed 33996563 (cited by Center for Genomic Medicine, Rigshospitalet, Copenhagen University Hospital); PubMed 33899270 (cited by Center for Genomic Medicine, Rigshospitalet, Copenhagen University Hospital); PubMed 29413688 (cited by Center for Genomic Medicine, Rigshospitalet, Copenhagen University Hospital); PubMed 23348503 (cited by Institute for Genomic Medicine (IGM) Clinical Laboratory, Nationwide Children's Hospital); PubMed 23530248 (cited by Institute for Genomic Medicine (IGM) Clinical Laboratory, Nationwide Children's Hospital); PubMed 23887589 (cited by Institute for Genomic Medicine (IGM) Clinical Laboratory, Nationwide Children's Hospital); PubMed 24657534 (cited by Institute for Genomic Medicine (IGM) Clinical Laboratory, Nationwide Children's Hospital); PubMed 31669704 (cited by Institute for Genomic Medicine (IGM) Clinical Laboratory, Nationwide Children's Hospital); PubMed 24030750 (cited by Institute for Genomic Medicine (IGM) Clinical Laboratory, Nationwide Children's Hospital); PubMed 26870359 (cited by Institute for Genomic Medicine (IGM) Clinical Laboratory, Nationwide Children's Hospital); PubMed 24726063 (cited by Institute for Genomic Medicine (IGM) Clinical Laboratory, Nationwide Children's Hospital); PubMed 26391479 (cited by Institute for Genomic Medicine (IGM) Clinical Laboratory, Nationwide Children's Hospital); PubMed 24569790 (cited by Institute for Genomic Medicine (IGM) Clinical Laboratory, Nationwide Children's Hospital); PubMed 32249949 (cited by Institute for Genomic Medicine (IGM) Clinical Laboratory, Nationwide Children's Hospital); PubMed 32850962 (cited by Institute for Genomic Medicine (IGM) Clinical Laboratory, Nationwide Children's Hospital); PubMed 30051528 (cited by Institute for Genomic Medicine (IGM) Clinical Laboratory, Nationwide Children's Hospital); PubMed 30240866 (cited by Institute for Genomic Medicine (IGM) Clinical Laboratory, Nationwide Children's Hospital); PubMed 30599247 (cited by Institute for Genomic Medicine (IGM) Clinical Laboratory, Nationwide Children's Hospital); PubMed 32619305 (cited by Institute for Genomic Medicine (IGM) Clinical Laboratory, Nationwide Children's Hospital); PubMed 24174164 (cited by Institute for Genomic Medicine (IGM) Clinical Laboratory, Nationwide Children's Hospital); PubMed 28726821 (cited by Institute for Genomic Medicine (IGM) Clinical Laboratory, Nationwide Children's Hospital); PubMed 24337442 (cited by Institute for Genomic Medicine (IGM) Clinical Laboratory, Nationwide Children's Hospital); PubMed 32923861 (cited by Salgia Laboratory, City of Hope).

NM_198253.3(TERT):c.-146C>T

Genes: TERT (telomerase reverse transcriptase; minus strand), LOC110806263 (TERT 5' regulatory region; plus strand). Cytogenetic location: 5p15.33.
Variant type: single nucleotide variant.
Coding change: c.-146C>T on transcript NM_198253.3 (MANE Select); 146 bases upstream of the start codon, C replaced by T.
Genome position (GRCh38, 1-based): chr5:1,295,135, G>A on the plus strand (C>T on the coding strand, the complement: TERT is on the minus strand). VCF-style: chr5-1295135-G-A. GRCh37 (hg19) VCF-style: chr5-1295250-G-A.
Other names: p.C250T.
Identifiers: ClinVar variation 2443072 (VCV002443072.5), dbSNP rs1561215364, ClinGen allele CA649878366.